The following is an entry in ClinVar:

NM_001378969.1(KCND3):c.485C>T (p.Ser162Leu)

Gene: KCND3 (potassium voltage-gated channel subfamily D member 3; minus strand). Cytogenetic location: 1p13.2.
Variant type: single nucleotide variant.
Coding change: c.485C>T on transcript NM_001378969.1 (MANE Select); coding-DNA position 485, C replaced by T.
Protein change: p.Ser162Leu; replaces serine 162 with leucine.
Molecular consequence: missense variant.
Genome position (GRCh38, 1-based): chr1:111,982,242, G>A on the plus strand (C>T on the coding strand, the complement: KCND3 is on the minus strand). VCF-style: chr1-111982242-G-A. GRCh37 (hg19) VCF-style: chr1-112524864-G-A.
Other names: p.Ser162Leu; c.485C>T, p.Ser162Leu (NM_001378970.1, NM_004980.5, NM_172198.3); short protein forms S162L.
Identifiers: ClinVar variation 3379837 (VCV003379837.5).
Genomic context (GRCh38, chr1:111,982,242, plus strand): 5'-GCCAGCGTGCTGGTGTGGGGGTTCTCGAAGGCCCGCCACATGGTCTGGCGGAAGCTGAGC[G>A]AGGGCATGGACTCCTGGTTGTTCTCCGAGTCGTTGTCGTCCATGAGCCGCTCGGCGTTCT-3'
Protein context (NP_001365898.1, residues 152-172): DSENNQESMP[Ser162Leu]LSFRQTMWRA

ClinVar aggregate classification (germline): Uncertain significance. Review status: criteria provided, multiple submitters, no conflicts (2 of 4 stars). 4 submissions from 4 submitters: Uncertain significance (4). Last evaluated 2025-12-01.

Conditions:
Cardiovascular phenotype. Identifiers: MedGen CN230736.
Spinocerebellar ataxia type 19/22 (SCA19). Also called: SPINOCEREBELLAR ATAXIA 22; SPINOCEREBELLAR ATAXIA 19. Identifiers: Orphanet 98772, MedGen C1846367, MONDO:0011819, OMIM 607346.

gnomAD v4.1: 34 of 1,614,090 alleles (0.0021%); highest among the groups gnomAD compares: Admixed American, 0.0033%; no homozygotes.

Submissions (4):

Women's Health and Genetics/Laboratory Corporation of America, LabCorp
Classification: Uncertain significance. Last evaluated: 2025-12-01. Review status: criteria provided, single submitter. Criteria: LabCorp Variant Classification Summary - May 2015. Collection method: clinical testing. Allele origin: germline.
Comment: Variant summary: KCND3 c.485C>T (p.Ser162Leu) results in a non-conservative amino acid change in the encoded protein sequence. Algorithms developed to predict the effect of missense changes on protein structure and function all suggest that this variant is likely to be disruptive. The variant allele was found at a frequency of 2e-05 in 251280 control chromosomes. The available data on variant occurrences in the general population are insufficient to allow any conclusion about variant significance. To our knowledge, no occurrence of c.485C>T in individuals affected with KCND3-related conditions and no experimental evidence demonstrating its impact on protein function have been reported. ClinVar contains an entry for this variant (Variation ID: 3379837). Based on the evidence outlined above, the variant was classified as uncertain significance.

Ambry Genetics
Classification: Uncertain significance for Cardiovascular phenotype. Last evaluated: 2025-02-05. Review status: criteria provided, single submitter. Criteria: Ambry Variant Classification Scheme 2023. Collection method: clinical testing. Allele origin: germline.
Comment: The p.S162L variant (also known as c.485C>T), located in coding exon 1 of the KCND3 gene, results from a C to T substitution at nucleotide position 485. The serine at codon 162 is replaced by leucine, an amino acid with dissimilar properties. This amino acid position is not well conserved in available vertebrate species. In addition, the in silico prediction for this alteration is inconclusive. Based on the available evidence, the clinical significance of this variant remains unclear.

Labcorp Genetics (formerly Invitae), Labcorp
Classification: Uncertain significance for Spinocerebellar ataxia type 19/22. Last evaluated: 2024-08-28. Review status: criteria provided, single submitter. Criteria: Invitae Variant Classification Sherloc (09022015). Collection method: clinical testing. Allele origin: germline.
Comment: This sequence change replaces serine, which is neutral and polar, with leucine, which is neutral and non-polar, at codon 162 of the KCND3 protein (p.Ser162Leu). This variant is present in population databases (rs780219355, gnomAD 0.006%). This variant has not been reported in the literature in individuals affected with KCND3-related conditions. Invitae Evidence Modeling of protein sequence and biophysical properties (such as structural, functional, and spatial information, amino acid conservation, physicochemical variation, residue mobility, and thermodynamic stability) indicates that this missense variant is not expected to disrupt KCND3 protein function with a negative predictive value of 80%. In summary, the available evidence is currently insufficient to determine the role of this variant in disease. Therefore, it has been classified as a Variant of Uncertain Significance.

Mayo Clinic Laboratories, Mayo Clinic
Classification: Uncertain significance. Last evaluated: 2024-08-19. Review status: criteria provided, single submitter. Criteria: ACMG Guidelines, 2015. Collection method: clinical testing. Allele origin: germline. Observed: 1 variant allele.